The following is an entry in ClinVar:

ClinVar aggregate classification (germline): Uncertain significance (1 of 4 stars; one submission).

Conditions:
Charcot-Marie-Tooth disease type 2. Also called: Charcot-Marie-Tooth type 2. Identifiers: Orphanet 64746, MedGen C0270914, MONDO:0018993.

Allele frequency attached by ClinVar (database versions not stated): ExAC 0.00001; gnomAD exomes below 0.00001; TOPMed 0.00001.
gnomAD v4.1: 2 of 1,614,168 alleles (0.00012%); highest among the groups gnomAD compares: South Asian, 0.0022%; no homozygotes.

Submission:

Labcorp Genetics (formerly Invitae), Labcorp
Classification: Uncertain significance for Charcot-Marie-Tooth disease type 2. Last evaluated: 2022-08-31. Review status: criteria provided, single submitter. Criteria: Invitae Variant Classification Sherloc (09022015). Collection method: clinical testing. Allele origin: germline.
Comment: This variant has not been reported in the literature in individuals affected with MFN2-related conditions. ClinVar contains an entry for this variant (Variation ID: 1403687). Algorithms developed to predict the effect of missense changes on protein structure and function are either unavailable or do not agree on the potential impact of this missense change (SIFT: "Deleterious"; PolyPhen-2: "Benign"; Align-GVGD: "Class C0"). In summary, the available evidence is currently insufficient to determine the role of this variant in disease. Therefore, it has been classified as a Variant of Uncertain Significance. This sequence change replaces serine, which is neutral and polar, with cysteine, which is neutral and slightly polar, at codon 10 of the MFN2 protein (p.Ser10Cys). This variant is present in population databases (rs757982521, gnomAD 0.003%).

NM_014874.4(MFN2):c.29C>G (p.Ser10Cys)

Gene: MFN2 (mitofusin 2; plus strand). Cytogenetic location: 1p36.22.
Variant type: single nucleotide variant.
Coding change: c.29C>G on transcript NM_014874.4 (MANE Select); coding-DNA position 29, C replaced by G.
Protein change: p.Ser10Cys; replaces serine 10 with cysteine.
Molecular consequence: missense variant.
Genome position (GRCh38, 1-based): chr1:11,989,197, C>G. VCF-style: chr1-11989197-C-G. GRCh37 (hg19) VCF-style: chr1-12049254-C-G.
Other names: c.29C>G, p.Ser10Cys (NM_001127660.2); short protein forms S10C.
Identifiers: ClinVar variation 1403687 (VCV001403687.9), dbSNP rs757982521, ClinGen allele CA598723.